The following is an entry in ClinVar:

ClinVar aggregate classification (germline): Uncertain significance (1 of 4 stars; one submission).

Conditions:
Hereditary cancer-predisposing syndrome. Also called: Neoplastic Syndromes, Hereditary; Tumor predisposition; Hereditary neoplastic syndrome; Hereditary Cancer Syndrome. Identifiers: Orphanet 140162, MedGen C0027672, MeSH D009386, MONDO:0015356.

Submission:

Ambry Genetics
Classification: Uncertain significance for Hereditary cancer-predisposing syndrome. Last evaluated: 2025-06-14. Review status: criteria provided, single submitter. Criteria: Ambry Variant Classification Scheme 2023. Collection method: clinical testing. Allele origin: germline.
Comment: The p.L521H variant (also known as c.1562T>A), located in coding exon 8 of the ALK gene, results from a T to A substitution at nucleotide position 1562. The leucine at codon 521 is replaced by histidine, an amino acid with similar properties. This amino acid position is highly conserved in available vertebrate species. In addition, the in silico prediction for this alteration is inconclusive. Based on the available evidence, the clinical significance of this variant remains unclear.

NM_004304.5(ALK):c.1562T>A (p.Leu521His)

Gene: ALK (ALK receptor tyrosine kinase; minus strand). Cytogenetic location: 2p23.2.
Variant type: single nucleotide variant.
Coding change: c.1562T>A on transcript NM_004304.5 (MANE Select); coding-DNA position 1562, T replaced by A.
Protein change: p.Leu521His; replaces leucine 521 with histidine.
Molecular consequence: missense variant.
Genome position (GRCh38, 1-based): chr2:29,318,389, A>T on the plus strand (T>A on the coding strand, the complement: ALK is on the minus strand). VCF-style: chr2-29318389-A-T. GRCh37 (hg19) VCF-style: chr2-29541255-A-T.
Other names: short protein forms L521H.
Identifiers: ClinVar variation 4040981 (VCV004040981.1).